The following is an entry in ClinVar:

ClinVar aggregate classification (germline): Uncertain significance (1 of 4 stars; one submission).

Allele frequency attached by ClinVar (database versions not stated): ExAC 0.00001; gnomAD 0.00001; TOPMed 0.00003.

Submission:

Labcorp Genetics (formerly Invitae), Labcorp
Classification: Uncertain significance. Last evaluated: 2022-06-13. Review status: criteria provided, single submitter. Criteria: Invitae Variant Classification Sherloc (09022015). Collection method: clinical testing. Allele origin: germline.
Comment: In summary, the available evidence is currently insufficient to determine the role of this variant in disease. Therefore, it has been classified as a Variant of Uncertain Significance. Algorithms developed to predict the effect of missense changes on protein structure and function (SIFT, PolyPhen-2, Align-GVGD) all suggest that this variant is likely to be tolerated. This variant has not been reported in the literature in individuals affected with EFEMP1-related conditions. This variant is present in population databases (rs763849216, gnomAD 0.007%). This sequence change replaces glutamine, which is neutral and polar, with arginine, which is basic and polar, at codon 147 of the EFEMP1 protein (p.Gln147Arg).

NM_001039348.3(EFEMP1):c.440A>G (p.Gln147Arg)

Gene: EFEMP1 (EGF-like fibulin extracellular matrix protein 1; minus strand). Cytogenetic location: 2p16.1.
Variant type: single nucleotide variant.
Coding change: c.440A>G on transcript NM_001039348.3 (MANE Select); coding-DNA position 440, A replaced by G.
Protein change: p.Gln147Arg; replaces glutamine 147 with arginine.
Molecular consequence: missense variant.
Genome position (GRCh38, 1-based): chr2:55,917,742, T>C on the plus strand (A>G on the coding strand, the complement: EFEMP1 is on the minus strand). VCF-style: chr2-55917742-T-C. GRCh37 (hg19) VCF-style: chr2-56144877-T-C.
Other names: c.440A>G, p.Gln147Arg (NM_001039349.3); short protein forms Q147R.
Identifiers: ClinVar variation 1450384 (VCV001450384.8), dbSNP rs763849216, ClinGen allele CA1668941.
Genomic context (GRCh38, chr2:55,917,742, plus strand): 5'-TCACTTTGCTCGTAGCCTGCTGCACACTGGATACGGTGGGAAGGGTTGGAGGGAATGCGC[T>C]GAGGGTCAGCTGGGTTCCGCCGGATGACAAAGTTATTTCGGCCAGTCTGCATTTCAGGGC-3'
Protein context (NP_001034437.1, residues 137-157): FVIRRNPADP[Gln147Arg]RIPSNPSHRI